The following is an entry in ClinVar:

NM_004655.4(AXIN2):c.790A>T (p.Thr264Ser)

Gene: AXIN2 (axin 2; minus strand). Cytogenetic location: 17q24.1.
Variant type: single nucleotide variant.
Coding change: c.790A>T on transcript NM_004655.4 (MANE Select); coding-DNA position 790, A replaced by T.
Protein change: p.Thr264Ser; replaces threonine 264 with serine.
Molecular consequence: missense variant.
Genome position (GRCh38, 1-based): chr17:65,557,831, T>A on the plus strand (A>T on the coding strand, the complement: AXIN2 is on the minus strand). VCF-style: chr17-65557831-T-A. GRCh37 (hg19) VCF-style: chr17-63553949-T-A.
Other names: c.790A>T, p.Thr264Ser (NM_001363813.1); c.790A>T (NM_004655.3); short protein forms T264S.
Identifiers: ClinVar variation 1508879 (VCV001508879.9), dbSNP rs1064794876, ClinGen allele CA400680257.

ClinVar aggregate classification (germline): Conflicting classifications of pathogenicity. Review status: criteria provided, conflicting classifications (1 of 4 stars). 2 submissions from 2 submitters: Uncertain significance (1); Likely benign (1). Last evaluated 2026-07-08.

Conditions:
Oligodontia-cancer predisposition syndrome. Also called: TOOTH AGENESIS-COLORECTAL CANCER SYNDROME. Identifiers: Orphanet 300576, MedGen C1837750, MONDO:0012075, OMIM 608615. Disease mechanism: loss of function.
Hereditary cancer-predisposing syndrome. Also called: Hereditary Cancer Syndrome; Tumor predisposition; Neoplastic Syndromes, Hereditary; Hereditary neoplastic syndrome. Identifiers: Orphanet 140162, MedGen C0027672, MeSH D009386, MONDO:0015356.

Submissions (2):

Ambry Genetics
Classification: Likely benign for Hereditary cancer-predisposing syndrome. Last evaluated: 2026-07-08. Review status: criteria provided, single submitter. Criteria: Ambry Variant Classification Scheme 2023. Collection method: clinical testing. Allele origin: germline.

Labcorp Genetics (formerly Invitae), Labcorp
Classification: Uncertain significance for Oligodontia-cancer predisposition syndrome. Last evaluated: 2023-04-08. Review status: criteria provided, single submitter. Criteria: Invitae Variant Classification Sherloc (09022015). Collection method: clinical testing. Allele origin: germline.
Comment: In summary, the available evidence is currently insufficient to determine the role of this variant in disease. Therefore, it has been classified as a Variant of Uncertain Significance. Advanced modeling of protein sequence and biophysical properties (such as structural, functional, and spatial information, amino acid conservation, physicochemical variation, residue mobility, and thermodynamic stability) performed at Invitae indicates that this missense variant is not expected to disrupt AXIN2 protein function. ClinVar contains an entry for this variant (Variation ID: 1508879). This variant has not been reported in the literature in individuals affected with AXIN2-related conditions. This variant is not present in population databases (gnomAD no frequency). This sequence change replaces threonine, which is neutral and polar, with serine, which is neutral and polar, at codon 264 of the AXIN2 protein (p.Thr264Ser).